The following is an entry in ClinVar:

ClinVar aggregate classification (germline): Conflicting classifications of pathogenicity. Review status: criteria provided, conflicting classifications (1 of 4 stars). 7 submissions from 7 submitters: Uncertain significance (6); Likely benign (1). Last evaluated 2026-01-26.

Conditions:
Hypertrichotic osteochondrodysplasia Cantu type. Also called: Cantú Syndrome; Cantu Syndrome. Identifiers: Orphanet 1517, MedGen C0795905, MONDO:0009406, OMIM 239850.
Intellectual disability and myopathy syndrome (IDMYS). Identifiers: MedGen C5676904, MONDO:0859224, OMIM 619719.
Atrial fibrillation, familial, 12 (ATFB12). Identifiers: MedGen C3279695, MONDO:0013545, OMIM 614050.
Dilated cardiomyopathy 1O (CMD1O). Also called: CARDIOMYOPATHY, DILATED, WITH VENTRICULAR TACHYCARDIA. Identifiers: Orphanet 154, MedGen C1837839, MONDO:0012062, OMIM 608569.
Cardiovascular phenotype. Identifiers: MedGen CN230736.

Allele frequency attached by ClinVar (database versions not stated): ExAC 0.00001; gnomAD 0.00002; gnomAD exomes 0.00002 and 0.00003; TOPMed 0.00002.
gnomAD v4.1: 47 of 1,611,808 alleles (0.0029%); highest among the groups gnomAD compares: Non-Finnish European, 0.0036%; no homozygotes.

Submissions (7):

Women's Health and Genetics/Laboratory Corporation of America, LabCorp
Classification: Uncertain significance. Last evaluated: 2026-01-26. Review status: criteria provided, single submitter. Criteria: LabCorp Variant Classification Summary - May 2015. Collection method: clinical testing. Allele origin: germline.
Comment: Variant summary: ABCC9 c.575G>A (p.Arg192Lys) results in a conservative amino acid change in the encoded protein sequence. Algorithms developed to predict the effect of missense changes on protein structure and function are either unavailable or do not agree on the potential impact of this missense change. Consensus agreement among computation tools predict no significant impact on normal splicing. However, these predictions have yet to be confirmed by functional studies. The variant allele was found at a frequency of 1.6e-05 in 249214 control chromosomes. The available data on variant occurrences in the general population are insufficient to allow any conclusion about variant significance. To our knowledge, no occurrence of c.575G>A in individuals affected with ABCC9-related conditions and no experimental evidence demonstrating its impact on protein function have been reported. ClinVar contains an entry for this variant (Variation ID: 179082). Based on the evidence outlined above, the variant was classified as uncertain significance.

Ambry Genetics
Classification: Uncertain significance for Cardiovascular phenotype. Last evaluated: 2025-12-24. Review status: criteria provided, single submitter. Criteria: Ambry Variant Classification Scheme 2023. Collection method: clinical testing. Allele origin: germline.
Comment: The p.R192K variant (also known as c.575G>A), located in coding exon 5 of the ABCC9 gene, results from a G to A substitution at nucleotide position 575. The arginine at codon 192 is replaced by lysine, an amino acid with highly similar properties. This amino acid position is conserved. In addition, this alteration is predicted to be tolerated by in silico analysis. Based on the available evidence, the clinical significance of this variant remains unclear.

Labcorp Genetics (formerly Invitae), Labcorp
Classification: Uncertain significance for Dilated cardiomyopathy 1O. Last evaluated: 2025-10-10. Review status: criteria provided, single submitter. Criteria: Invitae Variant Classification Sherloc (09022015). Collection method: clinical testing. Allele origin: germline.
Comment: This sequence change replaces arginine, which is basic and polar, with lysine, which is basic and polar, at codon 192 of the ABCC9 protein (p.Arg192Lys). This variant is present in population databases (rs727504612, gnomAD 0.004%). This variant has not been reported in the literature in individuals affected with ABCC9-related conditions. ClinVar contains an entry for this variant (Variation ID: 179082). An algorithm developed to predict the effect of missense changes on protein structure and function (PolyPhen-2) suggests that this variant is likely to be tolerated. In summary, the available evidence is currently insufficient to determine the role of this variant in disease. Therefore, it has been classified as a Variant of Uncertain Significance.

Blueprint Genetics
Classification: Likely benign. Last evaluated: 2023-09-21. Review status: criteria provided, single submitter. Criteria: ACMG Guidelines, 2015. Collection method: clinical testing. Allele origin: germline.

Mayo Clinic Laboratories, Mayo Clinic
Classification: Uncertain significance. Last evaluated: 2021-12-02. Review status: criteria provided, single submitter. Criteria: ACMG Guidelines, 2015. Collection method: clinical testing. Allele origin: germline.

Fulgent Genetics
Classification: Uncertain significance for Hypertrichotic osteochondrodysplasia Cantu type; Dilated cardiomyopathy 1O; Atrial fibrillation, familial, 12; Intellectual disability and myopathy syndrome. Last evaluated: 2021-11-10. Review status: criteria provided, single submitter. Criteria: ACMG Guidelines, 2015. Collection method: clinical testing. Allele origin: unknown.

Laboratory for Molecular Medicine, Mass General Brigham Personalized Medicine
Classification: Uncertain significance. Last evaluated: 2013-07-08. Review status: criteria provided, single submitter. Criteria: LMM Criteria. Collection method: clinical testing. Allele origin: germline. Observed: 1 variant allele.
Comment: The Arg192Lys variant in ABCC9 has not been reported in individuals with cardiom yopathy. Data from large population studies is insufficient to assess the freque ncy of the variant. Computational analyses (biochemical amino acid properties, c onservation, AlignGVGD, PolyPhen2, and SIFT) suggest that the Arg192Lys variant may not impact the protein, though this information is not predictive enough to rule out pathogenicity. Of note, the variant amino acid Lysine (Lys) is present at this position in several fish species (tetraodon, fugu, stickleback, medaka a nd zebrafish). Additional information is needed to fully assess the clinical sig nificance of the Arg192Lys variant.

NM_020297.4(ABCC9):c.575G>A (p.Arg192Lys)

Gene: ABCC9 (ATP binding cassette subfamily C member 9; minus strand). Cytogenetic location: 12p12.1.
Variant type: single nucleotide variant.
Coding change: c.575G>A on transcript NM_020297.4 (MANE Select); coding-DNA position 575, G replaced by A.
Protein change: p.Arg192Lys; replaces arginine 192 with lysine.
Molecular consequence: missense variant. On other transcripts: intron variant (1).
Genome position (GRCh38, 1-based): chr12:21,915,909, C>T on the plus strand (G>A on the coding strand, the complement: ABCC9 is on the minus strand). VCF-style: chr12-21915909-C-T. GRCh37 (hg19) VCF-style: chr12-22068843-C-T.
Other names: c.575G>A, p.Arg192Lys (NM_001377273.1, NM_005691.4); c.-48-2843G>A (NM_001377274.1); short protein forms R192K.
Identifiers: ClinVar variation 179082 (VCV000179082.20), dbSNP rs727504612, ClinGen allele CA183690.